The following is an entry in ClinVar:

ClinVar aggregate classification (germline): Likely benign (1 of 4 stars; one submission).

Submission:

CeGaT Center for Human Genetics Tuebingen
Classification: Likely benign. Last evaluated: 2025-06-01. Review status: criteria provided, single submitter. Criteria: CeGaT Center For Human Genetics Tuebingen Variant Classification Criteria Version 2. Collection method: clinical testing. Allele origin: germline. Affected: yes. Observed: 1 variant allele.
Comment: ELOA3P: PM2:Supporting, BP4, BP7

NM_001387690.1(KATNAL2):c.52-18009C>T

Gene: KATNAL2 (katanin catalytic subunit A1 like 2; plus strand). Cytogenetic location: 18q21.1.
Variant type: single nucleotide variant.
Coding change: c.52-18009C>T on transcript NM_001387690.1 (MANE Select); 18009 bases into the intron before coding-DNA position 52, C replaced by T.
Molecular consequence: intron variant.
Genome position (GRCh38, 1-based): chr18:47,028,448, C>T. VCF-style: chr18-47028448-C-T. GRCh37 (hg19) VCF-style: chr18-44554819-C-T.
Other names: c.-1-29787C>T (NM_001353904.1, NM_001353903.1, NM_001353907.1 and 3 more transcripts); c.130-18009C>T (NM_001353899.1, NM_001353900.1, NM_001353902.1); c.52-18009C>T (NM_001353901.1, NM_001367621.1); c.-294-18009C>T (NM_001353905.1); c.-94-24432C>T (NM_031303.3).
Identifiers: ClinVar variation 3905998 (VCV003905998.10).
Genomic context (GRCh38, chr18:47,028,448, plus strand): 5'-CTTGGGGGCTGGCTCCATCTCTCCATTTCCGGGGTCAGCGGCTCCTGCAGACTTCTCTTG[C>T]CTCCTGGAAGCATCATAAGGCGTCTTGGCCACAGAGTTGAAACAGATCATCTTTGTCTGT-3'